The following is an entry in ClinVar:

ClinVar aggregate classification (germline): Uncertain significance. Review status: criteria provided, multiple submitters, no conflicts (2 of 4 stars). 2 submissions from 2 submitters: Uncertain significance (2). Last evaluated 2023-12-05.

Conditions:
Hereditary cancer-predisposing syndrome. Also called: Neoplastic Syndromes, Hereditary; Tumor predisposition; Hereditary Cancer Syndrome; Hereditary neoplastic syndrome. Identifiers: Orphanet 140162, MedGen C0027672, MeSH D009386, MONDO:0015356.

Submissions (2):

Color Diagnostics, LLC DBA Color Health
Classification: Uncertain significance for Hereditary cancer-predisposing syndrome. Last evaluated: 2023-12-05. Review status: criteria provided, single submitter. Criteria: ACMG Guidelines, 2015. Collection method: clinical testing. Allele origin: germline.
Comment: This missense variant replaces alanine with serine at codon 920 of the ATM protein. Computational prediction suggests that this variant may not impact protein structure and function (internally defined REVEL score threshold <= 0.5, PMID: 27666373). To our knowledge, functional studies have not been reported for this variant. This variant has not been reported in individuals affected with ATM-related disorders in the literature. This variant has not been identified in the general population by the Genome Aggregation Database (gnomAD). The available evidence is insufficient to determine the role of this variant in disease conclusively. Therefore, this variant is classified as a Variant of Uncertain Significance.

Ambry Genetics
Classification: Uncertain significance for Hereditary cancer-predisposing syndrome. Last evaluated: 2021-04-05. Review status: criteria provided, single submitter. Criteria: Ambry Variant Classification Scheme 2023. Collection method: clinical testing. Allele origin: germline.
Comment: The p.A920S variant (also known as c.2758G>T), located in coding exon 17 of the ATM gene, results from a G to T substitution at nucleotide position 2758. The alanine at codon 920 is replaced by serine, an amino acid with similar properties. This amino acid position is well conserved in available vertebrate species. In addition, this alteration is predicted to be tolerated by in silico analysis. Since supporting evidence is limited at this time, the clinical significance of this alteration remains unclear.

NM_000051.4(ATM):c.2758G>T (p.Ala920Ser)

Gene: ATM (ATM serine/threonine kinase; plus strand). Cytogenetic location: 11q22.3.
Variant type: single nucleotide variant.
Coding change: c.2758G>T on transcript NM_000051.4 (MANE Select); coding-DNA position 2758, G replaced by T.
Protein change: p.Ala920Ser; replaces alanine 920 with serine.
Molecular consequence: missense variant.
Genome position (GRCh38, 1-based): chr11:108,268,529, G>T. VCF-style: chr11-108268529-G-T. GRCh37 (hg19) VCF-style: chr11-108139256-G-T.
Other names: c.2758G>T, p.Ala920Ser (NM_001351834.2); short protein forms A920S.
Identifiers: ClinVar variation 923105 (VCV000923105.6), dbSNP rs1555083326, ClinGen allele CA382545461.